The following is an entry in ClinVar:

ClinVar aggregate classification (germline): Uncertain significance (1 of 4 stars; one submission).

Conditions:
Inborn genetic diseases. Identifiers: MedGen C0950123, MeSH D030342.

gnomAD v4.1: 1 of 1,613,920 alleles (0.000062%); highest among the groups gnomAD compares: East Asian, 0.0022%; no homozygotes.

Submission:

Ambry Genetics
Classification: Uncertain significance for Inborn genetic diseases. Last evaluated: 2026-02-21. Review status: criteria provided, single submitter. Criteria: Ambry Variant Classification Scheme 2023. Collection method: clinical testing. Allele origin: germline.
Comment: The p.S1011C variant (also known as c.3032C>G), located in coding exon 24 of the ANKRD26 gene, results from a C to G substitution at nucleotide position 3032. The serine at codon 1011 is replaced by cysteine, an amino acid with dissimilar properties. This amino acid position is conserved. In addition, this alteration is predicted to be tolerated by in silico analysis. Based on the available evidence, the clinical significance of this variant remains unclear.

NM_014915.3(ANKRD26):c.3032C>G (p.Ser1011Cys)

Gene: ANKRD26 (ankyrin repeat domain 26; minus strand). Cytogenetic location: 10p12.1.
Variant type: single nucleotide variant.
Coding change: c.3032C>G on transcript NM_014915.3 (MANE Select); coding-DNA position 3032, C replaced by G.
Protein change: p.Ser1011Cys; replaces serine 1011 with cysteine.
Molecular consequence: missense variant.
Genome position (GRCh38, 1-based): chr10:27,035,418, G>C on the plus strand (C>G on the coding strand, the complement: ANKRD26 is on the minus strand). VCF-style: chr10-27035418-G-C. GRCh37 (hg19) VCF-style: chr10-27324347-G-C.
Other names: c.3029C>G, p.Ser1010Cys (NM_001256053.2); short protein forms S1011C, S1010C.
Identifiers: ClinVar variation 4845156 (VCV004845156.1).